The following is an entry in ClinVar:

NM_005529.7(HSPG2):c.4575C>T (p.Leu1525=)

Gene: HSPG2 (heparan sulfate proteoglycan 2; minus strand). Cytogenetic location: 1p36.12.
Variant type: single nucleotide variant.
Coding change: c.4575C>T on transcript NM_005529.7 (MANE Select); coding-DNA position 4575, C replaced by T.
Protein change: p.Leu1525=; no amino-acid change (leucine 1525 retained).
Molecular consequence: synonymous variant.
Genome position (GRCh38, 1-based): chr1:21,864,894, G>A on the plus strand (C>T on the coding strand, the complement: HSPG2 is on the minus strand). VCF-style: chr1-21864894-G-A. GRCh37 (hg19) VCF-style: chr1-22191387-G-A.
Other names: c.4578C>T, p.Leu1526= (NM_001291860.2).
Identifiers: ClinVar variation 295843 (VCV000295843.20), dbSNP rs140056847, ClinGen allele CA672224.

ClinVar aggregate classification (germline): Conflicting classifications of pathogenicity. Review status: criteria provided, conflicting classifications (1 of 4 stars). 5 submissions from 4 submitters: Uncertain significance (2); Likely benign (3). Last evaluated 2026-02-01.

Conditions:
Schwartz-Jampel syndrome. Also called: Myotonic myopathy dwarfism chondrodystrophy and ocular and facial abnormalities. Identifiers: Orphanet 800, MedGen C0036391, MONDO:0009717.
Lethal Kniest-like syndrome (DDSH). Also called: Dyssegmental Dysplasia. Identifiers: Orphanet 1865, MedGen C1857100, MONDO:0009140, OMIM 224410.

Allele frequency attached by ClinVar (database versions not stated): ESP Exome Variant Server 0.00008; TOPMed 0.00008; gnomAD 0.00013.
gnomAD v4.1: 239 of 1,610,470 alleles (0.015%); highest among the groups gnomAD compares: Admixed American, 0.04%; no homozygotes.

Submissions (5):

CeGaT Center for Human Genetics Tuebingen
Classification: Likely benign. Last evaluated: 2026-02-01. Review status: criteria provided, single submitter. Criteria: CeGaT Center For Human Genetics Tuebingen Variant Classification Criteria Version 2. Collection method: clinical testing. Allele origin: germline. Affected: yes. Observed: 1 variant allele.
Comment: HSPG2: BP4, BP7

Labcorp Genetics (formerly Invitae), Labcorp
Classification: Likely benign. Last evaluated: 2025-11-27. Review status: criteria provided, single submitter. Criteria: Invitae Variant Classification Sherloc (09022015). Collection method: clinical testing. Allele origin: germline.

Athena Diagnostics
Classification: Likely benign. Last evaluated: 2024-02-06. Review status: criteria provided, single submitter. Criteria: Athena Diagnostics Criteria. Collection method: clinical testing. Allele origin: unknown.

Illumina Laboratory Services, Illumina
Classification: Uncertain significance for Schwartz-Jampel syndrome type 1. Last evaluated: 2018-01-13. Review status: criteria provided, single submitter. Criteria: ICSL Variant Classification Criteria 13 December 2019. Collection method: clinical testing. Allele origin: germline.

Illumina Laboratory Services, Illumina
Classification: Uncertain significance for Lethal Kniest-like syndrome. Last evaluated: 2018-01-13. Review status: criteria provided, single submitter. Criteria: ICSL Variant Classification Criteria 13 December 2019. Collection method: clinical testing. Allele origin: germline.

Literature cited by the submitters: PubMed 31697823 (cited by Athena Diagnostics).